The following is an entry in ClinVar:

NM_003126.4(SPTA1):c.421G>A (p.Asp141Asn)

Gene: SPTA1 (spectrin alpha, erythrocytic 1; minus strand). Cytogenetic location: 1q23.1.
Variant type: single nucleotide variant.
Coding change: c.421G>A on transcript NM_003126.4 (MANE Select); coding-DNA position 421, G replaced by A.
Protein change: p.Asp141Asn; replaces aspartic acid 141 with asparagine.
Molecular consequence: missense variant.
Genome position (GRCh38, 1-based): chr1:158,681,637, C>T on the plus strand (G>A on the coding strand, the complement: SPTA1 is on the minus strand). VCF-style: chr1-158681637-C-T. GRCh37 (hg19) VCF-style: chr1-158651427-C-T.
Other names: short protein forms D141N.
Identifiers: ClinVar variation 5000482 (VCV005000482.1).

ClinVar aggregate classification (germline): Uncertain significance (1 of 4 stars; one submission).

Conditions:
SPTA1-related disorder. Also called: SPTA1-related disorders; SPTA1-related condition.

gnomAD v4.1: 2 of 1,613,604 alleles (0.00012%); highest among the groups gnomAD compares: African/African-American, 0.0027%; no homozygotes.

Submission:

PreventionGenetics, part of Exact Sciences
Classification: Uncertain significance for SPTA1-related condition. Last evaluated: 2025-09-08. Review status: criteria provided, single submitter. Criteria: ACMG Guidelines, 2015. Collection method: clinical testing. Allele origin: germline.
Comment: The SPTA1 c.421G>A variant is predicted to result in the amino acid substitution p.Asp141Asn. To our knowledge, this variant has not been reported in the literature. This variant is reported in 0.0065% of alleles in individuals of African descent in gnomAD. At this time, the clinical significance of this variant is uncertain due to the absence of conclusive functional and genetic evidence.